The following is an entry in ClinVar:

NM_020937.4(FANCM):c.1945C>T (p.Pro649Ser)

Gene: FANCM (FA complementation group M; plus strand). Cytogenetic location: 14q21.2.
Variant type: single nucleotide variant.
Coding change: c.1945C>T on transcript NM_020937.4 (MANE Select); coding-DNA position 1945, C replaced by T.
Protein change: p.Pro649Ser; replaces proline 649 with serine.
Molecular consequence: missense variant.
Genome position (GRCh38, 1-based): chr14:45,167,106, C>T. VCF-style: chr14-45167106-C-T. GRCh37 (hg19) VCF-style: chr14-45636309-C-T.
Other names: c.1867C>T, p.Pro623Ser (NM_001308133.2); c.1945C>T, p.Pro649Ser (NM_001308134.2); short protein forms P623S, P649S.
Identifiers: ClinVar variation 3654755 (VCV003654755.2).

ClinVar aggregate classification (germline): Uncertain significance (1 of 4 stars; one submission).

Conditions:
Fanconi anemia (FA). Also called: Fanconi's anemia. Identifiers: Orphanet 84, MedGen C0015625, MeSH D005199, MONDO:0019391.

Submission:

Labcorp Genetics (formerly Invitae), Labcorp
Classification: Uncertain significance for Fanconi anemia. Last evaluated: 2024-08-31. Review status: criteria provided, single submitter. Criteria: Invitae Variant Classification Sherloc (09022015). Collection method: clinical testing. Allele origin: germline.
Comment: This sequence change replaces proline, which is neutral and non-polar, with serine, which is neutral and polar, at codon 649 of the FANCM protein (p.Pro649Ser). This variant is not present in population databases (gnomAD no frequency). This variant has not been reported in the literature in individuals affected with FANCM-related conditions. An algorithm developed to predict the effect of missense changes on protein structure and function outputs the following: PolyPhen-2: "Benign". The serine amino acid residue is found in multiple mammalian species, which suggests that this missense change does not adversely affect protein function. In summary, the available evidence is currently insufficient to determine the role of this variant in disease. Therefore, it has been classified as a Variant of Uncertain Significance.